The following is an entry in ClinVar:

ClinVar aggregate classification (germline): Uncertain significance (1 of 4 stars; one submission).

Allele frequency attached by ClinVar (database versions not stated): gnomAD 0.00001; TOPMed 0.00001; ESP Exome Variant Server 0.00008.
gnomAD v4.1: 1 of 1,607,352 alleles (0.000062%); highest among the groups gnomAD compares: Non-Finnish European, 0.000085%; no homozygotes.

Submission:

Labcorp Genetics (formerly Invitae), Labcorp
Classification: Uncertain significance. Last evaluated: 2022-06-11. Review status: criteria provided, single submitter. Criteria: Invitae Variant Classification Sherloc (09022015). Collection method: clinical testing. Allele origin: germline.
Comment: This sequence change falls in intron 10 of the RGS9 gene. It does not directly change the encoded amino acid sequence of the RGS9 protein. It affects a nucleotide within the consensus splice site. In summary, the available evidence is currently insufficient to determine the role of this variant in disease. Therefore, it has been classified as a Variant of Uncertain Significance. Variants that disrupt the consensus splice site are a relatively common cause of aberrant splicing (PMID: 17576681, 9536098). Algorithms developed to predict the effect of sequence changes on RNA splicing suggest that this variant may disrupt the consensus splice site. This variant has not been reported in the literature in individuals affected with RGS9-related conditions. This variant is not present in population databases (gnomAD no frequency).

Literature cited by the submitters: PubMed 17576681; PubMed 9536098.

NM_003835.4(RGS9):c.684+3A>C

Gene: RGS9 (regulator of G protein signaling 9; plus strand). Cytogenetic location: 17q24.1.
Variant type: single nucleotide variant.
Coding change: c.684+3A>C on transcript NM_003835.4 (MANE Select); 3 bases into the intron after coding-DNA position 684, A replaced by C.
Molecular consequence: intron variant.
Genome position (GRCh38, 1-based): chr17:65,189,318, A>C. VCF-style: chr17-65189318-A-C. GRCh37 (hg19) VCF-style: chr17-63185436-A-C.
Other names: c.675+3A>C (NM_001081955.3, NM_001165933.2).
Identifiers: ClinVar variation 2116071 (VCV002116071.4), dbSNP rs369869237, ClinGen allele CA293053062.